The following is an entry in ClinVar:

NM_020631.6(PLEKHG5):c.1080+1G>A

Gene: PLEKHG5 (pleckstrin homology and RhoGEF domain containing G5; minus strand). Cytogenetic location: 1p36.31.
Variant type: single nucleotide variant.
Coding change: c.1080+1G>A on transcript NM_020631.6 (MANE Select); the canonical splice donor site of the intron after coding-DNA position 1080, G replaced by A.
Molecular consequence: splice donor variant.
Genome position (GRCh38, 1-based): chr1:6,472,526, C>T on the plus strand (G>A on the coding strand, the complement: PLEKHG5 is on the minus strand). VCF-style: chr1-6472526-C-T. GRCh37 (hg19) VCF-style: chr1-6532586-C-T.
Other names: NC_000001.10:g.6532586C>T; c.1080+1G>A (NM_198681.4, NM_001265594.3, NM_001042664.2 and 1 more transcripts); c.1191+1G>A (NM_001042663.3, NM_001265592.2); c.1287+1G>A (NM_001265593.2).
Identifiers: ClinVar variation 451857 (VCV000451857.3), dbSNP rs1553174500, ClinGen allele CA338132434.
Genomic context (GRCh38, chr1:6,472,526, plus strand): 5'-TGAGGGCTGTCAGAAAGAGGGGGGCAGGGTGGCCACGGGGACCAGCGCAGCCCCTACTCA[C>T]GTTGATGATCACCCGCAGTTTCCTGATGTAGGAGGCCTCCGTGTGCAGCAGCTCCCACAC-3'

ClinVar aggregate classification (germline): Likely pathogenic (1 of 4 stars; one submission).

Allele frequency attached by ClinVar (database versions not stated): gnomAD exomes below 0.00001.
gnomAD v4.1: 2 of 1,606,184 alleles (0.00012%); highest among the groups gnomAD compares: Non-Finnish European, 0.00017%; no homozygotes.

Submissions (2):

GeneDx
Classification: Likely pathogenic. Last evaluated: 2017-09-05. Review status: criteria provided, single submitter. Criteria: GeneDx Variant Classification (06012015). Collection method: clinical testing. Allele origin: germline. Affected: yes.
Comment: A variant that is likely pathogenic has been identified in the PLEKHG5 gene. The c.1080+1 G>A variant has not been published as a pathogenic variant, nor has it been reported as a benign variant to our knowledge. The c.1080+1 G>A variant is not observed in large population cohorts (Lek et al., 2016; 1000 Genomes Consortium et al., 2015; Exome Variant Server). The c.1080+1 G>A splice site variant destroys the canonical splice donor site for intron 10. It is predicted to cause abnormal gene splicing, either leading to an abnormal message that is subject to nonsense-mediated mRNA decay, or to an abnormal protein product if the message is used for protein translation. Therefore, this variant is likely pathogenic; however, the possibility that it is benign cannot be excluded.

Dr. Peter K. Rogan Lab, Western University
No classification provided (evidence only). Condition: Glioma susceptibility 1. Review status: no classification provided. Collection method: in vitro. Allele origin: not applicable. Functional consequence: retained intron. Not counted in ClinVar's aggregate classification.